The following is an entry in ClinVar:

NM_001378418.1(TCF20):c.727_728delinsAT (p.Ser243Ile)

Gene: TCF20 (transcription factor 20; minus strand). Cytogenetic location: 22q13.2.
Variant type: Indel.
Coding change: c.727_728delinsAT on transcript NM_001378418.1 (MANE Select); coding-DNA positions 727 to 728, TC replaced by AT.
Protein change: p.Ser243Ile; replaces serine 243 with isoleucine.
Molecular consequence: missense variant.
Genome position (GRCh38, 1-based): chr22:42,214,578-42,214,579, GA replaced by AT on the plus strand (TC replaced by AT on the coding strand, the reverse complement: TCF20 is on the minus strand). VCF-style: chr22-42214578-GA-AT. GRCh37 (hg19) VCF-style: chr22-42610584-GA-AT.
Other names: c.727_728delinsAT, p.Ser243Ile (NM_005650.4, NM_181492.3); short protein forms S243I.
Identifiers: ClinVar variation 1711910 (VCV001711910.2), dbSNP rs2518242874, ClinGen allele CA2580099879.

ClinVar aggregate classification (germline): Uncertain significance (1 of 4 stars; one submission).

Submission:

GeneDx
Classification: Uncertain significance. Last evaluated: 2022-04-21. Review status: criteria provided, single submitter. Criteria: GeneDx Variant Classification Process June 2021. Collection method: clinical testing. Allele origin: germline. Affected: yes.
Comment: Not observed at significant frequency in large population cohorts (gnomAD); In silico analysis supports that this variant does not alter protein structure/function; Has not been previously published as pathogenic or benign to our knowledge